The following is an entry in ClinVar:

NM_000540.3(RYR1):c.1219A>G (p.Asn407Asp)

Gene: RYR1 (ryanodine receptor 1; plus strand). Cytogenetic location: 19q13.2.
Variant type: single nucleotide variant.
Coding change: c.1219A>G on transcript NM_000540.3 (MANE Select); coding-DNA position 1219, A replaced by G.
Protein change: p.Asn407Asp; replaces asparagine 407 with aspartic acid.
Molecular consequence: missense variant.
Genome position (GRCh38, 1-based): chr19:38,451,860, A>G. VCF-style: chr19-38451860-A-G. GRCh37 (hg19) VCF-style: chr19-38942500-A-G.
Other names: c.1219A>G, p.Asn407Asp (NM_001042723.2); short protein forms N407D.
Identifiers: ClinVar variation 2765207 (VCV002765207.3), dbSNP rs2514010237, ClinGen allele CA405683932.

ClinVar aggregate classification (germline): Uncertain significance (1 of 4 stars; one submission).

Conditions:
RYR1-related disorder. Also called: RYR1-related condition; RYR1-related disorders. Identifiers: MedGen CN239331.

Submission:

Labcorp Genetics (formerly Invitae), Labcorp
Classification: Uncertain significance for RYR1-related disorder. Last evaluated: 2024-04-22. Review status: criteria provided, single submitter. Criteria: Invitae Variant Classification Sherloc (09022015). Collection method: clinical testing. Allele origin: germline.
Comment: This sequence change replaces asparagine, which is neutral and polar, with aspartic acid, which is acidic and polar, at codon 407 of the RYR1 protein (p.Asn407Asp). This variant is not present in population databases (gnomAD no frequency). This variant has not been reported in the literature in individuals affected with RYR1-related conditions. Advanced modeling of protein sequence and biophysical properties (such as structural, functional, and spatial information, amino acid conservation, physicochemical variation, residue mobility, and thermodynamic stability) performed at Invitae indicates that this missense variant is not expected to disrupt RYR1 protein function with a negative predictive value of 95%. In summary, the available evidence is currently insufficient to determine the role of this variant in disease. Therefore, it has been classified as a Variant of Uncertain Significance.